The following is an entry in ClinVar:

NM_030973.4(MED25):c.908-3_908-2del

Gene: MED25 (mediator complex subunit 25; plus strand). Cytogenetic location: 19q13.33.
Variant type: Microsatellite.
Coding change: c.908-3_908-2del on transcript NM_030973.4 (MANE Select); 3 bases into the intron before coding-DNA position 908 through the canonical splice acceptor site of the intron before coding-DNA position 908, 2 bases deleted (CA; older notation c.908-3_908-2delCA).
Molecular consequence: splice acceptor variant.
Genome position (GRCh38, 1-based): chr19:49,830,691-49,830,692, CA deleted; deleting any 2 consecutive bases within chr19:49,830,689-49,830,692 gives the same sequence; the c. name uses the placement nearest the transcript's 3' end. VCF-style (leftmost placement, unchanged base first): chr19-49830688-CCA-C. GRCh37 (hg19) VCF-style: chr19-50333945-CCA-C.
Other names: c.908-3_908-2del (NM_001378355.1); c.908-3_908-2delCA (NM_030973.3).
Identifiers: ClinVar variation 568032 (VCV000568032.5), dbSNP rs766739944, ClinGen allele CA9585090.

ClinVar aggregate classification (germline): Uncertain significance. Review status: criteria provided, multiple submitters, no conflicts (2 of 4 stars). 2 submissions from 2 submitters: Uncertain significance (2). Last evaluated 2018-01-04.

Conditions:
Charcot-Marie-Tooth disease. Also called: Charcot-Marie-Tooth Neuropathy; Charcot-Marie-Tooth Hereditary Neuropathy. Identifiers: Orphanet 166, MedGen C0007959, MONDO:0015626.
Charcot-Marie-Tooth disease type 2. Also called: Charcot-Marie-Tooth type 2. Identifiers: Orphanet 64746, MedGen C0270914, MONDO:0018993.

Submissions (2):

Labcorp Genetics (formerly Invitae), Labcorp
Classification: Uncertain significance for Charcot-Marie-Tooth disease type 2. Last evaluated: 2018-01-04. Review status: criteria provided, single submitter. Criteria: Invitae Variant Classification Sherloc (09022015). Collection method: clinical testing. Allele origin: germline.
Comment: In summary, the available evidence is currently insufficient to determine the role of this variant in disease. Therefore, it has been classified as a Variant of Uncertain Significance. The current clinical and genetic evidence is not sufficient to establish whether loss-of-function variants in MED25 cause disease. Algorithms developed to predict the effect of sequence changes on RNA splicing suggest that this variant may disrupt the consensus splice site, but this prediction has not been confirmed by published transcriptional studies. This variant has not been reported in the literature in individuals with MED25-related disease. This variant is present in population databases (rs766739944, ExAC 0.002%). This sequence change affects an acceptor splice site in intron 8 of the MED25 gene. It is expected to disrupt RNA splicing and likely results in an absent or disrupted protein product.

Molecular Genetics Laboratory, London Health Sciences Centre
Classification: Uncertain significance for Charcot-Marie-Tooth disease. Review status: criteria provided, single submitter. Criteria: ACMG Guidelines, 2015. Collection method: clinical testing. Allele origin: germline. Affected: yes.